The following is an entry in ClinVar:

NM_000808.4(GABRA3):c.98GAC[1] (p.Arg34del)

Gene: GABRA3 (gamma-aminobutyric acid type A receptor subunit alpha3; minus strand). Cytogenetic location: Xq28.
Variant type: Microsatellite.
Coding change: c.98GAC[1] on transcript NM_000808.4 (MANE Select); one copy of the 3-base unit GAC starting at c.98; the reference has two copies in a row; one copy, 3 bases deleted; also written c.101_103del.
Protein change: p.Arg34del; deletes arginine 34.
Molecular consequence: inframe deletion.
Genome position (GRCh38, 1-based): chrX:152,364,468-152,364,470, GTC deleted on the plus strand (GAC on the coding strand, the reverse complement: GABRA3 is on the minus strand); deleting any 3 consecutive bases within chrX:152,364,468-152,364,473 gives the same sequence; the position shown is the placement nearest the transcript's 3' end. VCF-style (leftmost placement, unchanged base first): chrX-152364467-TGTC-T. GRCh37 (hg19) VCF-style: chrX-151532939-TGTC-T.
Other names: c.101_103del (NM_000808.4); short protein forms R34del.
Identifiers: ClinVar variation 4851389 (VCV004851389.1).

ClinVar aggregate classification (germline): Likely benign (1 of 4 stars; one submission).

Conditions:
Epilepsy, X-linked 2, with or without impaired intellectual development and dysmorphic features (EPILX2). Identifiers: MedGen C5774178, MONDO:0859564, OMIM 301091.

Submission:

Centre for Medical Genetics,  Mumbai
Classification: Likely benign for Epilepsy, X-linked 2, with or without impaired intellectual development and dysmorphic features. Last evaluated: 2026-04-17. Review status: criteria provided, single submitter. Criteria: ACMG Guidelines, 2015. Collection method: provider interpretation. Allele origin: germline. Inheritance: X-linked inheritance. Affected: no. Observed: 1 variant allele, 1 homozygote.
Comment: The variant satisfies PM2 criteria - extremely low frequency in gnomAD population databases. The variant satisfies PM4 criteria - protein length changes resulting from in-frame deletions/insertions in a non-repeat region or a stop-loss variant. However, the variant satisfies BS2 criteria - present in homozygous state in an individual that clinically does not have epilepsy, impaired intellectual development and dysmorphic features.

Literature cited by the submitters: PubMed 29053855.